The following is an entry in ClinVar:

NM_001013838.3(CARMIL2):c.226G>A (p.Ala76Thr)

Gene: CARMIL2 (capping protein regulator and myosin 1 linker 2; plus strand). Cytogenetic location: 16q22.1.
Variant type: single nucleotide variant.
Coding change: c.226G>A on transcript NM_001013838.3 (MANE Select); coding-DNA position 226, G replaced by A.
Protein change: p.Ala76Thr; replaces alanine 76 with threonine.
Molecular consequence: missense variant.
Genome position (GRCh38, 1-based): chr16:67,646,057, G>A. VCF-style: chr16-67646057-G-A. GRCh37 (hg19) VCF-style: chr16-67679960-G-A.
Other names: c.226G>A, p.Ala76Thr (NM_001317026.3); short protein forms A76T.
Identifiers: ClinVar variation 1063548 (VCV001063548.7), dbSNP rs2142908879, ClinGen allele CA396330721.

ClinVar aggregate classification (germline): Uncertain significance. Review status: criteria provided, multiple submitters, no conflicts (2 of 4 stars). 2 submissions from 2 submitters: Uncertain significance (2). Last evaluated 2022-03-19.

Conditions:
Severe combined immunodeficiency due to CARMIL2 deficiency. Also called: IMMUNODEFICIENCY 58. Identifiers: Orphanet 542301, MedGen C4748304, MONDO:0029134, OMIM 618131.

Allele frequency attached by ClinVar (database versions not stated): gnomAD exomes 0.00001.

Submissions (2):

Labcorp Genetics (formerly Invitae), Labcorp
Classification: Uncertain significance. Last evaluated: 2022-03-19. Review status: criteria provided, single submitter. Criteria: Invitae Variant Classification Sherloc (09022015). Collection method: clinical testing. Allele origin: germline.
Comment: This sequence change replaces alanine, which is neutral and non-polar, with threonine, which is neutral and polar, at codon 76 of the CARMIL2 protein (p.Ala76Thr). This variant is not present in population databases (gnomAD no frequency). This variant has not been reported in the literature in individuals affected with CARMIL2-related conditions. ClinVar contains an entry for this variant (Variation ID: 1063548). Algorithms developed to predict the effect of missense changes on protein structure and function output the following: SIFT: "Tolerated"; PolyPhen-2: "Benign"; Align-GVGD: "Class C0". The threonine amino acid residue is found in multiple mammalian species, which suggests that this missense change does not adversely affect protein function. In summary, the available evidence is currently insufficient to determine the role of this variant in disease. Therefore, it has been classified as a Variant of Uncertain Significance.

Fulgent Genetics
Classification: Uncertain significance for Severe combined immunodeficiency due to CARMIL2 deficiency. Last evaluated: 2022-02-14. Review status: criteria provided, single submitter. Criteria: ACMG Guidelines, 2015. Collection method: clinical testing. Allele origin: unknown.